The following is an entry in ClinVar:

ClinVar aggregate classification (germline): Uncertain significance. Review status: criteria provided, multiple submitters, no conflicts (2 of 4 stars). 2 submissions from 2 submitters: Uncertain significance (2). Last evaluated 2025-08-05.

Conditions:
Inborn genetic diseases. Identifiers: MedGen C0950123, MeSH D030342.

Allele frequency attached by ClinVar (database versions not stated): gnomAD exomes 0.00004; 1000 Genomes Project 30x 0.00016; TOPMed 0.00002; gnomAD 0.00004; 1000 Genomes Project 0.00020.
gnomAD v4.1: 49 of 1,577,148 alleles (0.0031%); highest among the groups gnomAD compares: East Asian, 0.0093%; no homozygotes.

Submissions (2):

GeneDx
Classification: Uncertain significance. Last evaluated: 2025-08-05. Review status: criteria provided, single submitter. Criteria: GeneDx Variant Classification Process June 2021. Collection method: clinical testing. Allele origin: germline. Affected: yes.
Comment: Not observed at significant frequency in large population cohorts (gnomAD); In silico analysis suggests that this missense variant does not alter protein structure/function; Has not been previously published as pathogenic or benign to our knowledge; In silico analysis suggests this variant may impact gene splicing. In the absence of RNA/functional studies, the actual effect of this sequence change is unknown.

Ambry Genetics
Classification: Uncertain significance for Inborn genetic diseases. Last evaluated: 2022-06-10. Review status: criteria provided, single submitter. Criteria: Ambry Variant Classification Scheme 2023. Collection method: clinical testing. Allele origin: germline.
Comment: The p.K490R variant (also known as c.1469A>G), located in coding exon 13 of the PLEKHG5 gene, results from an A to G substitution at nucleotide position 1469. The lysine at codon 490 is replaced by arginine, an amino acid with highly similar properties. This amino acid position is conserved. In addition, the in silico prediction for this alteration is inconclusive. Since supporting evidence is limited at this time, the clinical significance of this alteration remains unclear.

NM_020631.6(PLEKHG5):c.1469A>G (p.Lys490Arg)

Gene: PLEKHG5 (pleckstrin homology and RhoGEF domain containing G5; minus strand). Cytogenetic location: 1p36.31.
Variant type: single nucleotide variant.
Coding change: c.1469A>G on transcript NM_020631.6 (MANE Select); coding-DNA position 1469, A replaced by G.
Protein change: p.Lys490Arg; replaces lysine 490 with arginine.
Molecular consequence: missense variant.
Genome position (GRCh38, 1-based): chr1:6,470,808, T>C on the plus strand (A>G on the coding strand, the complement: PLEKHG5 is on the minus strand). VCF-style: chr1-6470808-T-C. GRCh37 (hg19) VCF-style: chr1-6530868-T-C.
Other names: c.1580A>G, p.Lys527Arg (NM_001042663.3, NM_001265592.2); c.1469A>G, p.Lys490Arg (NM_001042664.2, NM_001042665.2, NM_001265594.3 and 1 more transcripts); c.1676A>G, p.Lys559Arg (NM_001265593.2); short protein forms K490R, K559R, K527R.
Identifiers: ClinVar variation 423300 (VCV000423300.5), dbSNP rs534760199, ClinGen allele CA16617179.